The following is an entry in ClinVar:

ClinVar aggregate classification (germline): Pathogenic. Review status: criteria provided, multiple submitters, no conflicts (2 of 4 stars). 4 submissions from 4 submitters: Pathogenic (3). 1 of the submissions does not count toward it. Last evaluated 2024-04-24.

Conditions:
Bardet-Biedl syndrome (BBS). Identifiers: Orphanet 110, MedGen C0752166, MONDO:0015229.
Bardet-Biedl syndrome 4 (BBS4). Identifiers: Orphanet 110, MedGen C2936864, MONDO:0014433, OMIM 615982.

Submissions (4):

Labcorp Genetics (formerly Invitae), Labcorp
Classification: Pathogenic for Bardet-Biedl syndrome. Last evaluated: 2024-04-24. Review status: criteria provided, single submitter. Criteria: Invitae Variant Classification Sherloc (09022015). Collection method: clinical testing. Allele origin: germline.
Comment: This sequence change creates a premature translational stop signal (p.Ser409Thrfs*60) in the BBS4 gene. It is expected to result in an absent or disrupted protein product. Loss-of-function variants in BBS4 are known to be pathogenic (PMID: 11381270, 12016587, 20177705, 27894351). This variant is not present in population databases (gnomAD no frequency). This premature translational stop signal has been observed in individual(s) with clinical features of Bardet-Biedl syndrome (PMID: 26489029, 27894351). ClinVar contains an entry for this variant (Variation ID: 266087). For these reasons, this variant has been classified as Pathogenic.

Baylor Genetics
Classification: Pathogenic for Bardet-Biedl syndrome 4. Last evaluated: 2023-11-17. Review status: criteria provided, single submitter. Criteria: ACMG Guidelines, 2015. Collection method: clinical testing. Allele origin: unknown.

Fulgent Genetics
Classification: Pathogenic for Bardet-Biedl syndrome 4. Last evaluated: 2021-11-26. Review status: criteria provided, single submitter. Criteria: ACMG Guidelines, 2015. Collection method: clinical testing. Allele origin: unknown.

Genomic Medicine Center of Excellence, King Faisal Specialist Hospital and Research Centre
Classification: Pathogenic for Bardet-Biedl syndrome. Review status: no assertion criteria provided. Collection method: research. Allele origin: germline. Affected: yes. Observed: 1 homozygote. Not counted in ClinVar's aggregate classification.

Literature cited by the submitters: PubMed 11381270 (cited by Labcorp Genetics (formerly Invitae), Labcorp); PubMed 12016587 (cited by Labcorp Genetics (formerly Invitae), Labcorp); PubMed 20177705 (cited by Labcorp Genetics (formerly Invitae), Labcorp); PubMed 27894351 (cited by Labcorp Genetics (formerly Invitae), Labcorp); PubMed 26489029 (cited by Labcorp Genetics (formerly Invitae), Labcorp).

NM_033028.5(BBS4):c.1226del (p.Ser409fs)

Gene: BBS4 (Bardet-Biedl syndrome 4; plus strand). Cytogenetic location: 15q24.1.
Variant type: Deletion.
Coding change: c.1226del on transcript NM_033028.5 (MANE Select); coding-DNA position 1226, one base deleted (G; older notation c.1226delG).
Protein change: p.Ser409fs; shifts the reading frame from serine 409.
Molecular consequence: frameshift variant. On other transcripts: non-coding transcript variant (2).
Genome position (GRCh38, 1-based): chr15:72,735,944, G deleted. VCF-style (leftmost placement, unchanged base first): chr15-72735943-AG-A. GRCh37 (hg19) VCF-style: chr15-73028284-AG-A.
Other names: c.710del, p.Ser237fs (NM_001252678.2); c.1157del, p.Ser386fs (NM_001320665.2); short protein forms S237fs, S409fs, S386fs.
Identifiers: ClinVar variation 266087 (VCV000266087.5), dbSNP rs886039800, ClinGen allele CA10588976.